The following is an entry in ClinVar:

ClinVar aggregate classification (germline): Benign/Likely benign. Review status: criteria provided, multiple submitters, no conflicts (2 of 4 stars). 5 submissions from 5 submitters: Benign (4); Likely benign (1). Last evaluated 2026-01-29.

Allele frequency attached by ClinVar (database versions not stated): gnomAD exomes 0.00078 and 0.00209; ExAC 0.00259; gnomAD 0.00867 and 0.00911; ESP Exome Variant Server 0.00898; TOPMed 0.00919; 1000 Genomes Project 0.00978; 1000 Genomes Project 30x 0.01031.
gnomAD v4.1: 2,487 of 1,614,198 alleles (0.15%); highest among the groups gnomAD compares: African/African-American, 3%; 34 homozygotes.

Submissions (5):

Labcorp Genetics (formerly Invitae), Labcorp
Classification: Benign. Last evaluated: 2026-01-29. Review status: criteria provided, single submitter. Criteria: Invitae Variant Classification Sherloc (09022015). Collection method: clinical testing. Allele origin: germline.

Ambry Genetics
Classification: Likely benign. Last evaluated: 2022-10-03. Review status: criteria provided, single submitter. Criteria: Ambry Variant Classification Scheme 2023. Collection method: clinical testing. Allele origin: germline.

Women's Health and Genetics/Laboratory Corporation of America, LabCorp
Classification: Benign. Last evaluated: 2019-12-09. Review status: criteria provided, single submitter. Criteria: LabCorp Variant Classification Summary - May 2015. Collection method: clinical testing. Allele origin: germline.
Comment: Variant summary: A2ML1 c.590C>T (p.Thr197Ile) results in a non-conservative amino acid change located in the Macroglobulin domain of the encoded protein sequence. Three of five in-silico tools predict a benign effect of the variant on protein function. The variant allele was found at a frequency of 0.0021 in 249544 control chromosomes, predominantly at a frequency of 0.03 within the African or African-American subpopulation in the gnomAD database, including 4 homozygotes. The observed variant frequency within African or African-American control individuals in the gnomAD database is approximately 7500-folds over the estimated maximal expected allele frequency for a pathogenic variant in A2ML1 causing Noonan Syndrome phenotype (4e-06), strongly suggesting that the variant is a benign polymorphism found primarily in populations of African or African-American origin. To our knowledge, no occurrence of c.590C>T in individuals affected with Noonan Syndrome and no experimental evidence demonstrating its impact on protein function have been reported. Two ClinVar submissions (evaluation after 2014) cite the variant as benign. Based on the evidence outlined above, the variant was classified as benign.

GeneDx
Classification: Benign. Last evaluated: 2017-01-31. Review status: criteria provided, single submitter. Criteria: GeneDx Variant Classification (06012015). Collection method: clinical testing. Allele origin: germline. Affected: yes.
Comment: This variant is considered likely benign or benign based on one or more of the following criteria: it is a conservative change, it occurs at a poorly conserved position in the protein, it is predicted to be benign by multiple in silico algorithms, and/or has population frequency not consistent with disease.

Breakthrough Genomics
Classification: Benign. Review status: criteria provided, single submitter. Criteria: ACMG Guidelines, 2015. Collection method: not provided. Allele origin: germline. Inheritance: Autosomal dominant inheritance. Affected: yes.

NM_144670.6(A2ML1):c.590C>T (p.Thr197Ile)

Gene: A2ML1 (alpha-2-macroglobulin like 1; plus strand). Cytogenetic location: 12p13.31.
Variant type: single nucleotide variant.
Coding change: c.590C>T on transcript NM_144670.6 (MANE Select); coding-DNA position 590, C replaced by T.
Protein change: p.Thr197Ile; replaces threonine 197 with isoleucine.
Molecular consequence: missense variant.
Genome position (GRCh38, 1-based): chr12:8,835,613, C>T. VCF-style: chr12-8835613-C-T. GRCh37 (hg19) VCF-style: chr12-8988209-C-T.
Other names: short protein forms T197I.
Identifiers: ClinVar variation 241911 (VCV000241911.15), dbSNP rs61734941, ClinGen allele CA6435365.